The following is an entry in ClinVar:

NM_014363.6(SACS):c.2186-4A>G

Gene: SACS (sacsin molecular chaperone; minus strand). Cytogenetic location: 13q12.12.
Variant type: single nucleotide variant.
Coding change: c.2186-4A>G on transcript NM_014363.6 (MANE Select); 4 bases into the intron before coding-DNA position 2186, A replaced by G.
Molecular consequence: intron variant.
Genome position (GRCh38, 1-based): chr13:23,341,694, T>C on the plus strand (A>G on the coding strand, the complement: SACS is on the minus strand). VCF-style: chr13-23341694-T-C. GRCh37 (hg19) VCF-style: chr13-23915833-T-C.
Other names: c.2186-4A>G (NM_014363.5); c.1745-4A>G (NM_001278055.2).
Identifiers: ClinVar variation 550191 (VCV000550191.17), dbSNP rs371866995, ClinGen allele CA6911727.
Genomic context (GRCh38, chr13:23,341,694, plus strand): 5'-TGATAAGACGTGCAAATCGTTCTGGATTTAGAAGCTGCAGCTGAGTACATGGTCTTCCTG[T>C]AAATCATACACAGAAATGTCATAAATACATATAATTCTACTACAACAGCTTTCTATTCTC-3'

ClinVar aggregate classification (germline): Benign/Likely benign. Review status: criteria provided, multiple submitters, no conflicts (2 of 4 stars). 6 submissions from 6 submitters: Benign (2); Likely benign (3). 1 of the submissions does not count toward it. Last evaluated 2026-04-25.

Conditions:
Charlevoix-Saguenay spastic ataxia (SACS). Also called: AUTOSOMAL RECESSIVE SPASTIC ATAXIA OF CHARLEVOIX-SAGUENAY; SPASTIC ATAXIA 6, AUTOSOMAL RECESSIVE; Spastic ataxia of Charlevoix-Saguenay. Identifiers: Orphanet 98, MedGen C1849140, MONDO:0010041, OMIM 270550.
Spastic paraplegia. Identifiers: MedGen C0037772, HP:0001258.
SACS-related disorder. Also called: SACS-related condition.

Allele frequency attached by ClinVar (database versions not stated): gnomAD exomes 0.00004 and 0.00015; ExAC 0.00015; ESP Exome Variant Server 0.00024; gnomAD 0.00052 and 0.00054; TOPMed 0.00053; 1000 Genomes Project 0.00060; 1000 Genomes Project 30x 0.00062.
gnomAD v4.1: 130 of 1,610,842 alleles (0.0081%); highest among the groups gnomAD compares: African/African-American, 0.16%; no homozygotes.

Submissions (6):

PreventionGenetics, part of Exact Sciences
Classification: Likely benign for SACS-related condition. Last evaluated: 2026-04-25. Review status: criteria provided, single submitter. Criteria: ACMG Guidelines, 2015. Collection method: clinical testing. Allele origin: germline.
Comment: This variant is classified as likely benign based on ACMG/AMP sequence variant interpretation guidelines (Richards et al. 2015 PMID: 25741868, with internal and published modifications).

Labcorp Genetics (formerly Invitae), Labcorp
Classification: Benign for Spastic paraplegia. Last evaluated: 2026-01-24. Review status: criteria provided, single submitter. Criteria: Invitae Variant Classification Sherloc (09022015). Collection method: clinical testing. Allele origin: germline.

Women's Health and Genetics/Laboratory Corporation of America, LabCorp
Classification: Likely benign. Last evaluated: 2025-12-23. Review status: criteria provided, single submitter. Criteria: LabCorp Variant Classification Summary - May 2015. Collection method: clinical testing. Allele origin: germline.

Athena Diagnostics
Classification: Benign. Last evaluated: 2024-10-02. Review status: criteria provided, single submitter. Criteria: Athena Diagnostics Criteria. Collection method: clinical testing. Allele origin: unknown.

Genome-Nilou Lab
Classification: Likely benign for Charlevoix-Saguenay spastic ataxia. Last evaluated: 2021-09-05. Review status: criteria provided, single submitter. Criteria: ACMG Guidelines, 2015. Collection method: clinical testing. Allele origin: germline. Affected: no.

Counsyl
Classification: Uncertain significance for Charlevoix-Saguenay spastic ataxia. Last evaluated: 2017-01-03. Review status: no assertion criteria provided. Collection method: clinical testing. Allele origin: unknown. Not counted in ClinVar's aggregate classification.